The following is an entry in ClinVar:

ClinVar aggregate classification (germline): Uncertain significance (1 of 4 stars; one submission).

Submission:

GeneDx
Classification: Uncertain significance. Last evaluated: 2025-01-03. Review status: criteria provided, single submitter. Criteria: GeneDx Variant Classification Process June 2021. Collection method: clinical testing. Allele origin: germline. Affected: yes.
Comment: Not observed at significant frequency in large population cohorts (gnomAD); In silico analysis indicates that this missense variant does not alter protein structure/function; Has not been previously published as pathogenic or benign to our knowledge

NM_002804.5(PSMC3):c.1100A>G (p.Gln367Arg)

Gene: PSMC3 (proteasome 26S subunit, ATPase 3; minus strand). Cytogenetic location: 11p11.2.
Variant type: single nucleotide variant.
Coding change: c.1100A>G on transcript NM_002804.5 (MANE Select); coding-DNA position 1100, A replaced by G.
Protein change: p.Gln367Arg; replaces glutamine 367 with arginine.
Molecular consequence: missense variant.
Genome position (GRCh38, 1-based): chr11:47,420,291, T>C on the plus strand (A>G on the coding strand, the complement: PSMC3 is on the minus strand). VCF-style: chr11-47420291-T-C. GRCh37 (hg19) VCF-style: chr11-47441842-T-C.
Other names: short protein forms Q367R.
Identifiers: ClinVar variation 4056895 (VCV004056895.1).